The following is an entry in ClinVar:

ClinVar aggregate classification (germline): Likely pathogenic (1 of 4 stars; one submission).

Conditions:
Ehlers-Danlos syndrome, type 4 (EDSVASC). Also called: Ehlers-Danlos syndrome vascular type; Ehlers Danlos syndrome, ecchymotic type; Ehlers Danlos syndrome, arterial type; Ehlers Danlos syndrome, Sack-Barabas type; Ehlers-Danlos Syndrome Type IV. Identifiers: Orphanet 286, MedGen C0268338, MONDO:0017314, OMIM 130050.

Submission:

Labcorp Genetics (formerly Invitae), Labcorp
Classification: Likely pathogenic for Ehlers-Danlos syndrome, type 4. Last evaluated: 2025-11-05. Review status: criteria provided, single submitter. Criteria: Invitae Variant Classification Sherloc (09022015). Collection method: clinical testing. Allele origin: germline.
Comment: This sequence change replaces glycine, which is neutral and non-polar, with alanine, which is neutral and non-polar, at codon 654 of the COL3A1 protein (p.Gly654Ala). This variant is not present in population databases (gnomAD no frequency). This variant has not been reported in the literature in individuals affected with COL3A1-related conditions. Invitae Evidence Modeling of protein sequence and biophysical properties (such as structural, functional, and spatial information, amino acid conservation, physicochemical variation, residue mobility, and thermodynamic stability) indicates that this missense variant is expected to disrupt COL3A1 protein function with a positive predictive value of 95%. This variant disrupts the triple helix domain of COL3A1. Glycine residues within the Gly-Xaa-Yaa repeats of the triple helix domain are required for the structure and stability of fibrillar collagens (PMID: 7695699, 8218237, 19344236). In COL3A1, variants that affect these glycine residues are significantly enriched in individuals with disease (PMID: 24922459, 25758994) compared to the general population (ExAC). In summary, the currently available evidence indicates that the variant is pathogenic, but additional data are needed to prove that conclusively. Therefore, this variant has been classified as Likely Pathogenic.

Literature cited by the submitters: PubMed 7695699; PubMed 8218237; PubMed 19344236; PubMed 24922459; PubMed 25758994.

NM_000090.4(COL3A1):c.1961G>C (p.Gly654Ala)

Gene: COL3A1 (collagen type III alpha 1 chain; plus strand). Cytogenetic location: 2q32.2.
Variant type: single nucleotide variant.
Coding change: c.1961G>C on transcript NM_000090.4 (MANE Select); coding-DNA position 1961, G replaced by C.
Protein change: p.Gly654Ala; replaces glycine 654 with alanine.
Molecular consequence: missense variant.
Genome position (GRCh38, 1-based): chr2:188,998,303, G>C. VCF-style: chr2-188998303-G-C. GRCh37 (hg19) VCF-style: chr2-189863029-G-C.
Other names: short protein forms G654A.
Identifiers: ClinVar variation 4694515 (VCV004694515.1).
Genomic context (GRCh38, chr2:188,998,303, plus strand): 5'-AATACAAATATGATTCTTTCTAGGGCTTGCCTGGTACAGGTGGTCCTCCAGGAGAAAATG[G>C]AAAACCTGGGGAACCAGTAAGTTACGTTTCATTATTCAAAACTCAGAAACAAAAAGAATA-3'
Protein context (NP_000081.2, residues 644-664): PGTGGPPGEN[Gly654Ala]KPGEPGPKGD